The following is an entry in ClinVar:

ClinVar aggregate classification (germline): Uncertain significance. Review status: criteria provided, multiple submitters, no conflicts (2 of 4 stars). 2 submissions from 2 submitters: Uncertain significance (2). Last evaluated 2026-02-01.

Conditions:
Severe X-linked myotubular myopathy (CNMX). Also called: Myotubular myopathy, X-linked; MYOTUBULAR MYOPATHY 1; X-linked centronuclear myopathy. Identifiers: Orphanet 596, MedGen C0410203, MONDO:0010683, OMIM 310400.

gnomAD v4.1: 2 of 1,156,516 alleles (0.00017%); highest among the groups gnomAD compares: Non-Finnish European, 0.00024%; no homozygotes.

Submissions (2):

CeGaT Center for Human Genetics Tuebingen
Classification: Uncertain significance. Last evaluated: 2026-02-01. Review status: criteria provided, single submitter. Criteria: CeGaT Center For Human Genetics Tuebingen Variant Classification Criteria Version 2. Collection method: clinical testing. Allele origin: germline. Affected: yes. Observed: 1 variant allele.
Comment: MTM1: PM2

Labcorp Genetics (formerly Invitae), Labcorp
Classification: Uncertain significance for Severe X-linked myotubular myopathy. Last evaluated: 2024-08-07. Review status: criteria provided, single submitter. Criteria: Invitae Variant Classification Sherloc (09022015). Collection method: clinical testing. Allele origin: germline.
Comment: This sequence change replaces arginine, which is basic and polar, with serine, which is neutral and polar, at codon 488 of the MTM1 protein (p.Arg488Ser). This variant is present in population databases (no rsID available, gnomAD 0.02%), including at least one homozygous and/or hemizygous individual. This variant has not been reported in the literature in individuals affected with MTM1-related conditions. Advanced modeling of protein sequence and biophysical properties (such as structural, functional, and spatial information, amino acid conservation, physicochemical variation, residue mobility, and thermodynamic stability) performed at Invitae indicates that this missense variant is not expected to disrupt MTM1 protein function with a negative predictive value of 80%. In summary, the available evidence is currently insufficient to determine the role of this variant in disease. Therefore, it has been classified as a Variant of Uncertain Significance.

NM_000252.3(MTM1):c.1464A>C (p.Arg488Ser)

Gene: MTM1 (myotubularin 1; plus strand). Cytogenetic location: Xq28.
Variant type: single nucleotide variant.
Coding change: c.1464A>C on transcript NM_000252.3 (MANE Select); coding-DNA position 1464, A replaced by C.
Protein change: p.Arg488Ser; replaces arginine 488 with serine.
Molecular consequence: missense variant.
Genome position (GRCh38, 1-based): chrX:150,660,481, A>C. VCF-style: chrX-150660481-A-C. GRCh37 (hg19) VCF-style: chrX-149828954-A-C.
Other names: c.1464A>C, p.Arg488Ser (NM_001376906.1, NM_001376908.1); c.1353A>C, p.Arg451Ser (NM_001376907.1); short protein forms R451S, R488S.
Identifiers: ClinVar variation 3621210 (VCV003621210.6).